The following is an entry in ClinVar:

NM_002543.4(OLR1):c.248del (p.Gly83fs)

Gene: OLR1 (oxidized low density lipoprotein receptor 1; minus strand). Cytogenetic location: 12p13.2.
Variant type: Deletion.
Coding change: c.248del on transcript NM_002543.4 (MANE Select); coding-DNA position 248, one base deleted (G; older notation c.248delG).
Protein change: p.Gly83fs; shifts the reading frame from glycine 83.
Molecular consequence: frameshift variant.
Genome position (GRCh38, 1-based): chr12:10,166,888, C deleted on the plus strand (G on the coding strand, the reverse complement: OLR1 is on the minus strand); the first of 3 consecutive C bases (chr12:10,166,888-10,166,890); deleting any one gives the same sequence. VCF-style (leftmost placement, unchanged base first): chr12-10166887-TC-T. GRCh37 (hg19) VCF-style: chr12-10319486-TC-T.
Other names: c.248del, p.Gly83fs (NM_001172632.2, NM_001172633.2); short protein forms G83fs.
Identifiers: ClinVar variation 4857180 (VCV004857180.1).

ClinVar aggregate classification (germline): Likely pathogenic (0 of 4 stars; one submission).

Conditions:
Familial hypercholesterolemia. Also called: Familial hypercholesterolemias; Familial hypercholesterolaemia. Identifiers: MedGen C0020445, MONDO:0005439.

Submission:

Research Laboratories, P. D. Hinduja Hospital & MRC
Classification: Likely pathogenic for Familial hypercholesterolemia. Last evaluated: 2026-06-08. Review status: no assertion criteria provided. Collection method: research. Allele origin: germline. Affected: yes. Observed: 1 variant allele, 1 heterozygote.
Comment: This variant was identified as part of the ICMR-funded project (Ref No. 2020-3881). A frameshift deletion in OLR1 (NM_001172632.2), c.248del, predicted to cause a frameshift beginning at codon 83 and resulting in a premature termination codon downstream. To our knowledge, functional studies specific to this variant have not been reported. This variant has not been described in individuals with Familial Hypercholesterolemia (FH) in the literature; however, the OLR1 gene is associated with lipid metabolism according to the LIPID MAPS Proteome Database (LMPD). Computational predictions using MutationTaster and PolyPhen-2 suggest that this variant is likely deleterious and possibly damaging to protein function (GRCh38).